The following is an entry in ClinVar:

NM_004371.4(COPA):c.2953C>T (p.Arg985Cys)

Gene: COPA (coat protein complex I subunit alpha; minus strand). Cytogenetic location: 1q23.2.
Variant type: single nucleotide variant.
Coding change: c.2953C>T on transcript NM_004371.4 (MANE Select); coding-DNA position 2953, C replaced by T.
Protein change: p.Arg985Cys; replaces arginine 985 with cysteine.
Molecular consequence: missense variant.
Genome position (GRCh38, 1-based): chr1:160,292,491, G>A on the plus strand (C>T on the coding strand, the complement: COPA is on the minus strand). VCF-style: chr1-160292491-G-A. GRCh37 (hg19) VCF-style: chr1-160262281-G-A.
Other names: c.2980C>T, p.Arg994Cys (NM_001098398.2); c.2980C>T (NM_001098398.1); short protein forms R994C, R985C.
Identifiers: ClinVar variation 3019110 (VCV003019110.4), dbSNP rs1193465763, ClinGen allele CA343272611.

ClinVar aggregate classification (germline): Uncertain significance. Review status: criteria provided, multiple submitters, no conflicts (2 of 4 stars). 2 submissions from 2 submitters: Uncertain significance (2). Last evaluated 2024-10-31.

Conditions:
Autoimmune interstitial lung disease-arthritis syndrome. Also called: Autoinflammation and autoimmunity, systemic, with immune dysregulation. Identifiers: Orphanet 444092, MedGen C5975714, MONDO:0014629.
Inborn genetic diseases. Identifiers: MedGen C0950123, MeSH D030342.

gnomAD v4.1: 2 of 1,613,386 alleles (0.00012%); highest among the groups gnomAD compares: Non-Finnish European, 0.00017%; no homozygotes.

Submissions (2):

Labcorp Genetics (formerly Invitae), Labcorp
Classification: Uncertain significance for Autoimmune interstitial lung disease-arthritis syndrome. Last evaluated: 2024-10-31. Review status: criteria provided, single submitter. Criteria: Invitae Variant Classification Sherloc (09022015). Collection method: clinical testing. Allele origin: germline.
Comment: This sequence change replaces arginine, which is basic and polar, with cysteine, which is neutral and slightly polar, at codon 985 of the COPA protein (p.Arg985Cys). This variant is present in population databases (no rsID available, gnomAD 0.0009%). This variant has not been reported in the literature in individuals affected with COPA-related conditions. ClinVar contains an entry for this variant (Variation ID: 3019110). Invitae Evidence Modeling of protein sequence and biophysical properties (such as structural, functional, and spatial information, amino acid conservation, physicochemical variation, residue mobility, and thermodynamic stability) indicates that this missense variant is expected to disrupt COPA protein function with a positive predictive value of 80%. In summary, the available evidence is currently insufficient to determine the role of this variant in disease. Therefore, it has been classified as a Variant of Uncertain Significance.

Ambry Genetics
Classification: Uncertain significance for Inborn genetic diseases. Last evaluated: 2023-12-26. Review status: criteria provided, single submitter. Criteria: Ambry Variant Classification Scheme 2023. Collection method: clinical testing. Allele origin: germline.